The following is an entry in ClinVar:

NM_014991.6(WDFY3):c.6650A>G (p.Glu2217Gly)

Gene: WDFY3 (WD repeat and FYVE domain containing 3; minus strand). Cytogenetic location: 4q21.23.
Variant type: single nucleotide variant.
Coding change: c.6650A>G on transcript NM_014991.6 (MANE Select); coding-DNA position 6650, A replaced by G.
Protein change: p.Glu2217Gly; replaces glutamic acid 2217 with glycine.
Molecular consequence: missense variant.
Genome position (GRCh38, 1-based): chr4:84,737,291, T>C on the plus strand (A>G on the coding strand, the complement: WDFY3 is on the minus strand). VCF-style: chr4-84737291-T-C. GRCh37 (hg19) VCF-style: chr4-85658444-T-C.
Other names: short protein forms E2217G.
Identifiers: ClinVar variation 5008876 (VCV005008876.1).

ClinVar aggregate classification (germline): Uncertain significance (1 of 4 stars; one submission).

Submission:

GeneDx
Classification: Uncertain significance. Last evaluated: 2026-03-09. Review status: criteria provided, single submitter. Criteria: GeneDx Variant Classification Process June 2021. Collection method: clinical testing. Allele origin: germline.
Comment: Not observed at significant frequency in large population cohorts (gnomAD); In silico analysis supports that this missense variant has a deleterious effect on protein structure/function; Has not been previously published as pathogenic or benign to our knowledge